The following is an entry in ClinVar:

ClinVar aggregate classification (germline): Likely pathogenic (1 of 4 stars; one submission).

Conditions:
Marfan syndrome (MFS). Also called: FBN1-Related Marfan Syndrome; MARFAN SYNDROME, TYPE I; Marfan syndrome type 1; Marfan's syndrome; Marfan syndrome, classic. Identifiers: Orphanet 284963, Orphanet 558, MedGen C0024796, MONDO:0007947, OMIM 154700.
Familial thoracic aortic aneurysm and aortic dissection (TAAD). Also called: Thoracic aortic aneurysms and dissections. Identifiers: Orphanet 91387, MedGen C4707243, MONDO:0019625.

Submission:

Labcorp Genetics (formerly Invitae), Labcorp
Classification: Likely pathogenic for Marfan syndrome; Familial thoracic aortic aneurysm and aortic dissection. Last evaluated: 2025-02-02. Review status: criteria provided, single submitter. Criteria: Invitae Variant Classification Sherloc (09022015). Collection method: clinical testing. Allele origin: germline.
Comment: This sequence change replaces glycine, which is neutral and non-polar, with valine, which is neutral and non-polar, at codon 2091 of the FBN1 protein (p.Gly2091Val). This variant is not present in population databases (gnomAD no frequency). This variant has not been reported in the literature in individuals affected with FBN1-related conditions. Invitae Evidence Modeling of protein sequence and biophysical properties (such as structural, functional, and spatial information, amino acid conservation, physicochemical variation, residue mobility, and thermodynamic stability) indicates that this missense variant is expected to disrupt FBN1 protein function with a positive predictive value of 95%. This variant disrupts the p.Gly2091 amino acid residue in FBN1. Other variant(s) that disrupt this residue have been determined to be pathogenic (internal data). This suggests that this residue is clinically significant, and that variants that disrupt this residue are likely to be disease-causing. In summary, the currently available evidence indicates that the variant is pathogenic, but additional data are needed to prove that conclusively. Therefore, this variant has been classified as Likely Pathogenic.

NM_000138.5(FBN1):c.6272G>T (p.Gly2091Val)

Gene: FBN1 (fibrillin 1; minus strand). Cytogenetic location: 15q21.1.
Variant type: single nucleotide variant.
Coding change: c.6272G>T on transcript NM_000138.5 (MANE Select); coding-DNA position 6272, G replaced by T.
Protein change: p.Gly2091Val; replaces glycine 2091 with valine.
Molecular consequence: missense variant.
Genome position (GRCh38, 1-based): chr15:48,437,809, C>A on the plus strand (G>T on the coding strand, the complement: FBN1 is on the minus strand). VCF-style: chr15-48437809-C-A. GRCh37 (hg19) VCF-style: chr15-48730006-C-A.
Other names: c.6272G>T, p.Gly2091Val (NM_001406716.1); short protein forms G2091V.
Identifiers: ClinVar variation 4789640 (VCV004789640.1).